The following is an entry in ClinVar:

ClinVar aggregate classification (germline): Uncertain significance. Review status: criteria provided, multiple submitters, no conflicts (2 of 4 stars). 2 submissions from 2 submitters: Uncertain significance (2). Last evaluated 2025-07-10.

Conditions:
Hereditary cancer-predisposing syndrome. Also called: Neoplastic Syndromes, Hereditary; Tumor predisposition; Hereditary Cancer Syndrome; Hereditary neoplastic syndrome. Identifiers: Orphanet 140162, MedGen C0027672, MeSH D009386, MONDO:0015356.

Allele frequency attached by ClinVar (database versions not stated): gnomAD exomes below 0.00001.
gnomAD v4.1: 1 of 1,614,228 alleles (0.000062%); highest among the groups gnomAD compares: Non-Finnish European, 0.000085%; no homozygotes.

Submissions (2):

Ambry Genetics
Classification: Uncertain significance for Hereditary cancer-predisposing syndrome. Last evaluated: 2025-07-10. Review status: criteria provided, single submitter. Criteria: Ambry Variant Classification Scheme 2023. Collection method: clinical testing. Allele origin: germline.
Comment: The p.K243T variant (also known as c.728A>C), located in coding exon 3 of the XRCC2 gene, results from an A to C substitution at nucleotide position 728. The lysine at codon 243 is replaced by threonine, an amino acid with similar properties. This amino acid position is not well conserved in available vertebrate species. In addition, this alteration is predicted to be tolerated by in silico analysis. Since supporting evidence is limited at this time, the clinical significance of this alteration remains unclear.

Labcorp Genetics (formerly Invitae), Labcorp
Classification: Uncertain significance. Last evaluated: 2018-11-15. Review status: criteria provided, single submitter. Criteria: Invitae Variant Classification Sherloc (09022015). Collection method: clinical testing. Allele origin: germline.
Comment: In summary, the available evidence is currently insufficient to determine the role of this variant in disease. Therefore, it has been classified as a Variant of Uncertain Significance. Algorithms developed to predict the effect of missense changes on protein structure and function (SIFT, PolyPhen-2, Align-GVGD) all suggest that this variant is likely to be disruptive, but these predictions have not been confirmed by published functional studies and their clinical significance is uncertain. This variant has not been reported in the literature in individuals with XRCC2-related disease. This variant is not present in population databases (ExAC no frequency). This sequence change replaces lysine with threonine at codon 243 of the XRCC2 protein (p.Lys243Thr). The lysine residue is moderately conserved and there is a moderate physicochemical difference between lysine and threonine.

NM_005431.2(XRCC2):c.728A>C (p.Lys243Thr)

Gene: XRCC2 (X-ray repair cross complementing 2; minus strand). Cytogenetic location: 7q36.1.
Variant type: single nucleotide variant.
Coding change: c.728A>C on transcript NM_005431.2 (MANE Select); coding-DNA position 728, A replaced by C.
Protein change: p.Lys243Thr; replaces lysine 243 with threonine.
Molecular consequence: missense variant.
Genome position (GRCh38, 1-based): chr7:152,648,757, T>G on the plus strand (A>C on the coding strand, the complement: XRCC2 is on the minus strand). VCF-style: chr7-152648757-T-G. GRCh37 (hg19) VCF-style: chr7-152345842-T-G.
Other names: short protein forms K243T.
Identifiers: ClinVar variation 639254 (VCV000639254.12), dbSNP rs1590129251, ClinGen allele CA370198072.